The following is an entry in ClinVar:

NM_139027.6(ADAMTS13):c.1899C>T (p.Thr633=)

Gene: ADAMTS13 (ADAM metallopeptidase with thrombospondin type 1 motif 13; plus strand). Cytogenetic location: 9q34.2.
Variant type: single nucleotide variant.
Coding change: c.1899C>T on transcript NM_139027.6 (MANE Select); coding-DNA position 1899, C replaced by T.
Protein change: p.Thr633=; no amino-acid change (threonine 633 retained).
Molecular consequence: synonymous variant. On other transcripts: non-coding transcript variant (1).
Genome position (GRCh38, 1-based): chr9:133,440,456, C>T. VCF-style: chr9-133440456-C-T. GRCh37 (hg19) VCF-style: chr9-136305577-C-T.
Other names: p.Thr633=; c.1899C>T, p.Thr633= (NM_139025.5); c.1806C>T, p.Thr602= (NM_139026.6).
Identifiers: ClinVar variation 2062644 (VCV002062644.31), dbSNP rs143573766, ClinGen allele CA200932541.

ClinVar aggregate classification (germline): Benign/Likely benign. Review status: criteria provided, multiple submitters, no conflicts (2 of 4 stars). 5 submissions from 5 submitters: Benign (1); Likely benign (3). 1 of the submissions does not count toward it. Last evaluated 2025-12-29.

Conditions:
ADAMTS13-related disorder. Also called: ADAMTS13-related condition.

Allele frequency attached by ClinVar (database versions not stated): gnomAD 0.00095; TOPMed 0.00095; ESP Exome Variant Server 0.00123; 1000 Genomes Project 0.00140; 1000 Genomes Project 30x 0.00141.
gnomAD v4.1: 287 of 1,613,728 alleles (0.018%); highest among the groups gnomAD compares: African/African-American, 0.29%; no homozygotes.

Submissions (5):

Labcorp Genetics (formerly Invitae), Labcorp
Classification: Benign. Last evaluated: 2025-12-29. Review status: criteria provided, single submitter. Criteria: Invitae Variant Classification Sherloc (09022015). Collection method: clinical testing. Allele origin: germline.

Mayo Clinic Laboratories, Mayo Clinic
Classification: Likely benign. Last evaluated: 2025-09-04. Review status: criteria provided, single submitter. Criteria: ACMG Guidelines, 2015. Collection method: clinical testing. Allele origin: germline. Observed: 8 variant alleles.
Comment: BS1, BP4, BP7

CeGaT Center for Human Genetics Tuebingen
Classification: Likely benign. Last evaluated: 2025-04-01. Review status: criteria provided, single submitter. Criteria: CeGaT Center For Human Genetics Tuebingen Variant Classification Criteria Version 2. Collection method: clinical testing. Allele origin: germline. Affected: yes. Observed: 2 variant alleles.
Comment: ADAMTS13: BP4, BP7

Blueprint Genetics
Classification: Likely benign. Last evaluated: 2024-06-20. Review status: criteria provided, single submitter. Criteria: ACMG Guidelines, 2015. Collection method: clinical testing. Allele origin: germline.

PreventionGenetics, part of Exact Sciences
Classification: Likely benign for ADAMTS13-related condition. Last evaluated: 2019-09-20. Review status: no assertion criteria provided. Collection method: clinical testing. Allele origin: germline. Not counted in ClinVar's aggregate classification.
Comment: This variant is classified as likely benign based on ACMG/AMP sequence variant interpretation guidelines (Richards et al. 2015 PMID: 25741868, with internal and published modifications).